The following is an entry in ClinVar:

NM_001009944.3(PKD1):c.12657dup (p.Glu4220fs)

Gene: PKD1 (polycystin 1, transient receptor potential channel interacting; minus strand). Cytogenetic location: 16p13.3.
Variant type: Duplication.
Coding change: c.12657dup on transcript NM_001009944.3 (MANE Select); coding-DNA position 12657, one base duplicated (C; older notation c.12657dupC).
Protein change: p.Glu4220fs; shifts the reading frame from glutamic acid 4220.
Molecular consequence: frameshift variant.
Genome position (GRCh38, 1-based): chr16:2,089,982, G duplicated on the plus strand (C on the coding strand, the reverse complement: PKD1 is on the minus strand). VCF-style (leftmost placement, unchanged base first): chr16-2089981-C-CG. GRCh37 (hg19) VCF-style: chr16-2139982-C-CG.
Other names: c.12654dup, p.Glu4219fs (NM_000296.4); short protein forms E4219fs, E4220fs.
Identifiers: ClinVar variation 1699315 (VCV001699315.5), dbSNP rs2151676915, ClinGen allele CA923726125.

ClinVar aggregate classification (germline): Pathogenic (1 of 4 stars; one submission).

Conditions:
Polycystic kidney disease, adult type (PKD1). Also called: Polycystic Kidney Disease 1, Autosomal Dominant; Polycystic kidney disease 1; Polycystic kidney disease 1, severe; Polycystic Kidney, Autosomal Dominant; POLYCYSTIC KIDNEY DISEASE 1 WITH OR WITHOUT POLYCYSTIC LIVER DISEASE; POLYCYSTIC KIDNEY DISEASE, ADULT, TYPE I. Identifiers: MedGen C3149841, MONDO:0008263, OMIM 173900.

Submission:

Victorian Clinical Genetics Services, Murdoch Childrens Research Institute
Classification: Pathogenic for Polycystic kidney disease, adult type. Last evaluated: 2024-10-24. Review status: criteria provided, single submitter. Criteria: ACMG Guidelines, 2015. Collection method: clinical testing. Allele origin: germline. Affected: yes.
Comment: This variant is classified as Pathogenic. Evidence in support of pathogenic classification: Variant is predicted to result in a truncated protein (premature termination codon is NOT located at least 54 nucleotides upstream of the final exon-exon junction) with less than 1/3 of the protein affected; Variant is absent from gnomAD (v2, v3 and v4); This variant has limited previous evidence of pathogenicity in an unrelated individual. An alternative single nucleotide insertion resulting in the same protein change has been reported in at least one individual affected with autosomal dominant polycystic kidney disease (PMID: 29633482); Other protein-truncating variant(s) comparable to the one identified in this case have very strong previous evidence for pathogenicity (ClinVar; PMIDs: 26632257, 29529603). Additional information: This variant is heterozygous; This gene is associated with autosomal dominant disease. Polycystic kidney disease 1 (MIM#173900) is predominantly caused by monoallelic variants, with rare reports of biallelic variants causing disease (OMIM); Loss of function is a known mechanism of disease in this gene and is associated with polycystic kidney disease 1 (MIM#173900).

Literature cited by the submitters: PubMed 29529603; PubMed 29633482; PubMed 26632257.